The following is an entry in ClinVar:

ClinVar aggregate classification (germline): Conflicting classifications of pathogenicity. Review status: criteria provided, conflicting classifications (1 of 4 stars). 4 submissions from 4 submitters: Uncertain significance (3); Benign (1). Last evaluated 2026-04-20.

Conditions:
Hereditary cancer-predisposing syndrome. Also called: Neoplastic Syndromes, Hereditary; Tumor predisposition; Hereditary Cancer Syndrome; Hereditary neoplastic syndrome. Identifiers: Orphanet 140162, MedGen C0027672, MeSH D009386, MONDO:0015356.
Tuberous sclerosis syndrome (TSC). Also called: Tuberous Sclerosis Complex; Tuberous sclerosis. Identifiers: Orphanet 805, MedGen C0041341, MONDO:0001734.
Tuberous sclerosis 2 (TSC2). Identifiers: Orphanet 805, MedGen C1860707, MONDO:0013199, OMIM 613254.

gnomAD v4.1: 1 of 1,612,850 alleles (0.000062%); highest among the groups gnomAD compares: African/African-American, 0.0013%; no homozygotes.

Submissions (4):

Ambry Genetics
Classification: Uncertain significance for Hereditary cancer-predisposing syndrome. Last evaluated: 2026-04-20. Review status: criteria provided, single submitter. Criteria: Ambry Variant Classification Scheme 2023. Collection method: clinical testing. Allele origin: germline.

Labcorp Genetics (formerly Invitae), Labcorp
Classification: Benign for Tuberous sclerosis 2. Last evaluated: 2025-06-17. Review status: criteria provided, single submitter. Criteria: Invitae Variant Classification Sherloc (09022015). Collection method: clinical testing. Allele origin: germline.

Color Diagnostics, LLC DBA Color Health
Classification: Uncertain significance for Tuberous sclerosis syndrome. Last evaluated: 2024-03-07. Review status: criteria provided, single submitter. Criteria: ACMG Guidelines, 2015. Collection method: clinical testing. Allele origin: germline.
Comment: This missense variant replaces valine with leucine at codon 1073 of the TSC2 protein. Computational prediction suggests that this variant may not impact protein structure and function. To our knowledge, functional studies have not been reported for this variant. This variant has not been reported in individuals affected with tuberous sclerosis complex in the literature. This variant has been identified in 1/31360 chromosomes in the general population by the Genome Aggregation Database (gnomAD). The available evidence is insufficient to determine the role of this variant in disease conclusively. Therefore, this variant is classified as a Variant of Uncertain Significance.

All of Us Research Program, National Institutes of Health
Classification: Uncertain significance for Tuberous sclerosis syndrome. Last evaluated: 2023-06-26. Review status: criteria provided, single submitter. Criteria: ACMG Guidelines, 2015. Collection method: clinical testing. Allele origin: germline. Inheritance: Autosomal dominant inheritance. Observed: 1 variant allele, 1 heterozygote.
Comment: This missense variant replaces valine with leucine at codon 1073 of the TSC2 protein. Computational prediction suggests that this variant may not impact protein structure and function (internally defined REVEL score threshold <= 0.5, PMID: 27666373). To our knowledge, functional studies have not been reported for this variant. This variant has not been reported in individuals affected with tuberous sclerosis complex in the literature. This variant has been identified in 1/31360 chromosomes in the general population by the Genome Aggregation Database (gnomAD). The available evidence is insufficient to determine the role of this variant in disease conclusively. Therefore, this variant is classified as a Variant of Uncertain Significance.

This study involves interpretation of variants in research participants for the purpose of population health screening. Participant phenotype was not available at the time of variant classification. Additional details can be found in publication PMID: 35346344, PMCID: PMC8962531

NM_000548.5(TSC2):c.3217G>T (p.Val1073Leu)

Gene: TSC2 (TSC complex subunit 2; plus strand). Cytogenetic location: 16p13.3.
Variant type: single nucleotide variant.
Coding change: c.3217G>T on transcript NM_000548.5 (MANE Select); coding-DNA position 3217, G replaced by T.
Protein change: p.Val1073Leu; replaces valine 1073 with leucine.
Molecular consequence: missense variant.
Genome position (GRCh38, 1-based): chr16:2,079,361, G>T. VCF-style: chr16-2079361-G-T. GRCh37 (hg19) VCF-style: chr16-2129362-G-T.
Other names: c.3085G>T, p.Val1029Leu (NM_001077183.3, NM_001370404.1, NM_001406665.1); c.3217G>T, p.Val1073Leu (NM_001114382.3); c.3178G>T, p.Val1060Leu (NM_001406667.1); c.3175G>T, p.Val1059Leu (NM_001406668.1); c.3106G>T, p.Val1036Leu (NM_001406670.1); c.3076G>T, p.Val1026Leu (NM_001406671.1); c.3073G>T, p.Val1025Leu (NM_001406673.1); c.3070G>T, p.Val1024Leu (NM_001406675.1); and 18 more; short protein forms V1026L, V1029L, V1059L, V625L, V830L, V872L, V876L, V993L.
Identifiers: ClinVar variation 1729008 (VCV001729008.5), dbSNP rs749192298, ClinGen allele CA394285899.